The following is an entry in ClinVar:

ClinVar aggregate classification (germline): Uncertain significance. Review status: criteria provided, multiple submitters, no conflicts (2 of 4 stars). 2 submissions from 2 submitters: Uncertain significance (2). Last evaluated 2024-03-12.

Conditions:
Inborn genetic diseases. Identifiers: MedGen C0950123, MeSH D030342.
Primary ciliary dyskinesia 27. Also called: CILIARY DYSKINESIA, PRIMARY, 27, WITHOUT SITUS INVERSUS. Identifiers: Orphanet 244, MedGen C3809701, MONDO:0014215, OMIM 615504.

Allele frequency attached by ClinVar (database versions not stated): gnomAD 0.00002; TOPMed 0.00002; ESP Exome Variant Server 0.00008; ExAC 0.00019.
gnomAD v4.1: 107 of 1,613,988 alleles (0.0066%); highest among the groups gnomAD compares: South Asian, 0.092%; 1 homozygote.

Submissions (2):

Ambry Genetics
Classification: Uncertain significance for Inborn genetic diseases. Last evaluated: 2024-03-12. Review status: criteria provided, single submitter. Criteria: Ambry Variant Classification Scheme 2023. Collection method: clinical testing. Allele origin: germline.

Labcorp Genetics (formerly Invitae), Labcorp
Classification: Uncertain significance for Primary ciliary dyskinesia 27. Last evaluated: 2022-08-21. Review status: criteria provided, single submitter. Criteria: Invitae Variant Classification Sherloc (09022015). Collection method: clinical testing. Allele origin: germline.
Comment: This sequence change replaces arginine, which is basic and polar, with cysteine, which is neutral and slightly polar, at codon 118 of the CCDC65 protein (p.Arg118Cys). This variant is present in population databases (rs377299600, gnomAD 0.1%). This variant has not been reported in the literature in individuals affected with CCDC65-related conditions. Algorithms developed to predict the effect of missense changes on protein structure and function output the following: SIFT: "Deleterious"; PolyPhen-2: "Benign"; Align-GVGD: "Class C0". The cysteine amino acid residue is found in multiple mammalian species, which suggests that this missense change does not adversely affect protein function. In summary, the available evidence is currently insufficient to determine the role of this variant in disease. Therefore, it has been classified as a Variant of Uncertain Significance.

NM_033124.5(DRC2):c.352C>T (p.Arg118Cys)

Gene: DRC2 (dynein regulatory complex subunit 2; plus strand). Cytogenetic location: 12q13.12.
Variant type: single nucleotide variant.
Coding change: c.352C>T on transcript NM_033124.5 (MANE Select); coding-DNA position 352, C replaced by T.
Protein change: p.Arg118Cys; replaces arginine 118 with cysteine.
Molecular consequence: missense variant. On other transcripts: 5 prime UTR variant (1).
Genome position (GRCh38, 1-based): chr12:48,914,455, C>T. VCF-style: chr12-48914455-C-T. GRCh37 (hg19) VCF-style: chr12-49308238-C-T.
Other names: c.-78C>T (NM_001286957.2); c.352C>T (NM_033124.4); short protein forms R118C.
Identifiers: ClinVar variation 2196699 (VCV002196699.2), dbSNP rs377299600, ClinGen allele CA6543218.